The following is an entry in ClinVar:

NM_020822.3(KCNT1):c.749A>G (p.Glu250Gly)

Gene: KCNT1 (potassium sodium-activated channel subfamily T member 1; plus strand). Cytogenetic location: 9q34.3.
Variant type: single nucleotide variant.
Coding change: c.749A>G on transcript NM_020822.3 (MANE Select); coding-DNA position 749, A replaced by G.
Protein change: p.Glu250Gly; replaces glutamic acid 250 with glycine.
Molecular consequence: missense variant.
Genome position (GRCh38, 1-based): chr9:135,757,371, A>G. VCF-style: chr9-135757371-A-G. GRCh37 (hg19) VCF-style: chr9-138649217-A-G.
Other names: c.605A>G, p.Glu202Gly (NM_001272003.2); short protein forms E202G, E250G.
Identifiers: ClinVar variation 3377895 (VCV003377895.1).

ClinVar aggregate classification (germline): Uncertain significance (1 of 4 stars; one submission).

Submission:

GeneDx
Classification: Uncertain significance. Last evaluated: 2024-05-16. Review status: criteria provided, single submitter. Criteria: GeneDx Variant Classification Process June 2021. Collection method: clinical testing. Allele origin: germline. Affected: yes.
Comment: Not observed at significant frequency in large population cohorts (gnomAD); In silico analysis supports that this missense variant has a deleterious effect on protein structure/function; Has not been previously published as pathogenic or benign to our knowledge